The following is an entry in ClinVar:

NM_000083.3(CLCN1):c.1495G>A (p.Gly499Arg)

Gene: CLCN1 (chloride voltage-gated channel 1; plus strand). Cytogenetic location: 7q34.
Variant type: single nucleotide variant.
Coding change: c.1495G>A on transcript NM_000083.3 (MANE Select); coding-DNA position 1495, G replaced by A.
Protein change: p.Gly499Arg; replaces glycine 499 with arginine.
Molecular consequence: missense variant. On other transcripts: non-coding transcript variant (1).
Genome position (GRCh38, 1-based): chr7:143,339,534, G>A. VCF-style: chr7-143339534-G-A. GRCh37 (hg19) VCF-style: chr7-143036627-G-A.
Other names: short protein forms G499R.
Identifiers: ClinVar variation 17543 (VCV000017543.12), dbSNP rs121912807, ClinGen allele CA258026.
Genomic context (GRCh38, chr7:143,339,534, plus strand): 5'-TCTCGTAACACCTTCCTTCCTTTTATCTTCCCTCTAGGAGCTGCATTTGGAAGGCTGGTA[G>A]GAGAAATCATGGCCATGCTCTTTCCTGATGGTATTTTGTTTGATGACATCATCTACAAGA-3'
Protein context (NP_000074.3, residues 489-509): VLGAAFGRLV[Gly499Arg]EIMAMLFPDG

ClinVar aggregate classification (germline): Pathogenic/Likely pathogenic. Review status: criteria provided, multiple submitters, no conflicts (2 of 4 stars). 5 submissions from 5 submitters: Pathogenic (3); Likely pathogenic (1). 1 of the submissions does not count toward it. Last evaluated 2024-11-01.

Conditions:
CLCN1-related disorder. Also called: CLCN1-related condition.
Congenital myotonia, autosomal dominant form (THD). Also called: THOMSEN DISEASE; Myotonia congenita autosomal dominant. Identifiers: Orphanet 614, MedGen C2936781, MONDO:0008055, OMIM 160800.
Congenital myotonia, autosomal recessive form. Also called: BECKER DISEASE; myotonia congenita, autosomal recessive; Becker Generalized Myotonia. Identifiers: Orphanet 614, MedGen C0751360, MONDO:0009715, OMIM 255700.

Allele frequency attached by ClinVar (database versions not stated): gnomAD exomes below 0.00001.

Submissions (5):

Women's Health and Genetics/Laboratory Corporation of America, LabCorp
Classification: Pathogenic for Congenital myotonia, autosomal recessive form. Last evaluated: 2024-11-01. Review status: criteria provided, single submitter. Criteria: LabCorp Variant Classification Summary - May 2015. Collection method: clinical testing. Allele origin: germline.
Comment: Variant summary: CLCN1 c.1495G>A (p.Gly499Arg) results in a non-conservative amino acid change in the encoded protein sequence. Five of five in-silico tools predict a damaging effect of the variant on protein function. The variant allele was found at a frequency of 4e-06 in 251464 control chromosomes. c.1495G>A has been reported in the literature in compound heterozygous and homozygous individuals affected with Myotonia congenita (Zhang_2000, Ivanova_2012, Ganapathy_2019, Marinakis_2024, Invitae). These data indicate that the variant is very likely to be associated with disease. At least one publication reports experimental evidence evaluating an impact on protein function. The most pronounced variant effect results in failed deactivation nor saturation of hyperpolarized channel protein and closure of mutant channels upon depolarization (Zhang_2000). The following publications have been ascertained in the context of this evaluation (PMID: 31069529, 23113340, 38855810, 10644771). ClinVar contains an entry for this variant (Variation ID: 17543). Based on the evidence outlined above, the variant was classified as pathogenic.

Laboratory of Medical Genetics, National & Kapodistrian University of Athens
Classification: Pathogenic for Congenital myotonia, autosomal recessive form. Last evaluated: 2024-02-20. Review status: criteria provided, single submitter. Criteria: ACMG Guidelines, 2015. Collection method: clinical testing. Allele origin: germline. Affected: yes.

Labcorp Genetics (formerly Invitae), Labcorp
Classification: Pathogenic for Congenital myotonia, autosomal recessive form; Congenital myotonia, autosomal dominant form. Last evaluated: 2022-11-29. Review status: criteria provided, single submitter. Criteria: Invitae Variant Classification Sherloc (09022015). Collection method: clinical testing. Allele origin: germline.
Comment: ClinVar contains an entry for this variant (Variation ID: 17543). This missense change has been observed in individual(s) with autosomal recessive myotonia congenita (PMID: 10644771, 23113340; Invitae). In at least one individual the data is consistent with being in trans (on the opposite chromosome) from a pathogenic variant. This variant is present in population databases (rs121912807, gnomAD 0.0009%). This sequence change replaces glycine, which is neutral and non-polar, with arginine, which is basic and polar, at codon 499 of the CLCN1 protein (p.Gly499Arg). Advanced modeling of protein sequence and biophysical properties (such as structural, functional, and spatial information, amino acid conservation, physicochemical variation, residue mobility, and thermodynamic stability) performed at Invitae indicates that this missense variant is expected to disrupt CLCN1 protein function. For these reasons, this variant has been classified as Pathogenic. Algorithms developed to predict the effect of sequence changes on RNA splicing suggest that this variant may create or strengthen a splice site. Experimental studies have shown that this missense change affects CLCN1 function (PMID: 10644771).

Blueprint Genetics
Classification: Likely pathogenic for CLCN1-related disorders. Last evaluated: 2022-10-07. Review status: criteria provided, single submitter. Criteria: ACMG Guidelines, 2015. Collection method: clinical testing. Allele origin: germline. Affected: yes. Observed: 1 variant allele.

OMIM
Classification: Pathogenic for MYOTONIA CONGENITA, AUTOSOMAL RECESSIVE. Last evaluated: 2000-01-28. Review status: no assertion criteria provided. Collection method: literature only. Allele origin: germline. Not counted in ClinVar's aggregate classification.

Literature cited by the submitters: PubMed 23113340 (cited by Women's Health and Genetics/Laboratory Corporation of America, LabCorp and Labcorp Genetics (formerly Invitae), Labcorp); PubMed 31069529 (cited by Women's Health and Genetics/Laboratory Corporation of America, LabCorp); PubMed 38855810 (cited by Women's Health and Genetics/Laboratory Corporation of America, LabCorp); PubMed 10644771 (cited by 3 submitters).